The following is an entry in ClinVar:

NM_000059.4(BRCA2):c.2347G>C (p.Val783Leu)

Gene: BRCA2 (BRCA2 DNA repair associated; plus strand). Cytogenetic location: 13q13.1.
Variant type: single nucleotide variant.
Coding change: c.2347G>C on transcript NM_000059.4 (MANE Select); coding-DNA position 2347, G replaced by C.
Protein change: p.Val783Leu; replaces valine 783 with leucine.
Molecular consequence: missense variant.
Genome position (GRCh38, 1-based): chr13:32,336,702, G>C. VCF-style: chr13-32336702-G-C. GRCh37 (hg19) VCF-style: chr13-32910839-G-C.
Other names: short protein forms V783L.
Identifiers: ClinVar variation 569403 (VCV000569403.10), dbSNP rs1566226546, ClinGen allele CA387771618.

ClinVar aggregate classification (germline): Conflicting classifications of pathogenicity. Review status: criteria provided, conflicting classifications (1 of 4 stars). 2 submissions from 2 submitters: Uncertain significance (1); Likely benign (1). Last evaluated 2023-03-23.

Conditions:
Hereditary breast ovarian cancer syndrome. Also called: Hereditary breast and ovarian cancer syndrome; Breast and ovarian cancer; Hereditary breast and ovarian cancer; Hereditary breast and/or ovarian cancer syndrome; Hereditary breast and ovarian cancer syndrome (HBOC); BRCA1- and BRCA2-Associated Hereditary Breast and Ovarian Cancer. Identifiers: Orphanet 145, MedGen C0677776, MeSH D061325, MONDO:0003582. Disease mechanism: loss of function.
Hereditary cancer-predisposing syndrome. Also called: Hereditary neoplastic syndrome; Tumor predisposition; Neoplastic Syndromes, Hereditary; Hereditary Cancer Syndrome. Identifiers: Orphanet 140162, MedGen C0027672, MeSH D009386, MONDO:0015356.

Submissions (2):

University of Washington Department of Laboratory Medicine, University of Washington
Classification: Likely benign for Hereditary cancer-predisposing syndrome. Last evaluated: 2023-03-23. Review status: criteria provided, single submitter. Criteria: Dines et al. (Genet Med. 2020). Collection method: curation. Allele origin: germline.
Comment: Missense variant in a coldspot region where missense variants are very unlikely to be pathogenic (PMID:31911673).

BRCA2 exon 11 coldspot. Reclassification based on statistical prior probability.

Labcorp Genetics (formerly Invitae), Labcorp
Classification: Uncertain significance for Hereditary breast ovarian cancer syndrome. Last evaluated: 2018-05-22. Review status: criteria provided, single submitter. Criteria: Invitae Variant Classification Sherloc (09022015). Collection method: clinical testing. Allele origin: germline.
Comment: Algorithms developed to predict the effect of missense changes on protein structure and function (SIFT, PolyPhen-2, Align-GVGD) all suggest that this variant is likely to be tolerated, but these predictions have not been confirmed by published functional studies and their clinical significance is uncertain. In summary, the available evidence is currently insufficient to determine the role of this variant in disease. Therefore, it has been classified as a Variant of Uncertain Significance. This variant has not been reported in the literature in individuals with BRCA2-related disease. This sequence change replaces valine with leucine at codon 783 of the BRCA2 protein (p.Val783Leu). The valine residue is moderately conserved and there is a small physicochemical difference between valine and leucine. This variant is not present in population databases (ExAC no frequency).